The following is an entry in ClinVar:

NM_001018115.3(FANCD2):c.2988C>T (p.Ser996=)

Gene: FANCD2 (FA complementation group D2; plus strand). Cytogenetic location: 3p25.3.
Variant type: single nucleotide variant.
Coding change: c.2988C>T on transcript NM_001018115.3 (MANE Select); coding-DNA position 2988, C replaced by T.
Protein change: p.Ser996=; no amino-acid change (serine 996 retained).
Molecular consequence: synonymous variant.
Genome position (GRCh38, 1-based): chr3:10,081,111, C>T. VCF-style: chr3-10081111-C-T. GRCh37 (hg19) VCF-style: chr3-10122795-C-T.
Other names: c.2988C>T, p.Ser996= (NM_001319984.2, NM_001374254.1, NM_033084.6); c.2877C>T, p.Ser959= (NM_001374253.1).
Identifiers: ClinVar variation 3036320 (VCV003036320.2), dbSNP rs2125059418, ClinGen allele CA432413095.

ClinVar aggregate classification (germline): Likely benign (0 of 4 stars; one submission).

Conditions:
FANCD2-related disorder. Also called: FANCD2-related condition.

Submission:

PreventionGenetics, part of Exact Sciences
Classification: Likely benign for FANCD2-related condition. Last evaluated: 2020-06-02. Review status: no assertion criteria provided. Collection method: clinical testing. Allele origin: germline.
Comment: This variant is classified as likely benign based on ACMG/AMP sequence variant interpretation guidelines (Richards et al. 2015 PMID: 25741868, with internal and published modifications).